The following is an entry in ClinVar:

NM_000180.4(GUCY2D):c.3020C>T (p.Ser1007Leu)

Gene: GUCY2D (guanylate cyclase 2D, retinal; plus strand). Cytogenetic location: 17p13.1.
Variant type: single nucleotide variant.
Coding change: c.3020C>T on transcript NM_000180.4 (MANE Select); coding-DNA position 3020, C replaced by T.
Protein change: p.Ser1007Leu; replaces serine 1007 with leucine.
Molecular consequence: missense variant.
Genome position (GRCh38, 1-based): chr17:8,015,818, C>T. VCF-style: chr17-8015818-C-T. GRCh37 (hg19) VCF-style: chr17-7919136-C-T.
Other names: short protein forms S1007L.
Identifiers: ClinVar variation 2925608 (VCV002925608.4), dbSNP rs1738565324, ClinGen allele CA397955379.

ClinVar aggregate classification (germline): Conflicting classifications of pathogenicity. Review status: criteria provided, conflicting classifications (1 of 4 stars). 2 submissions from 2 submitters: Likely pathogenic (1); Uncertain significance (1). Last evaluated 2023-07-21.

Conditions:
Leber congenital amaurosis 1 (LCA1). Also called: Congenital absence of the rods and cones; Leber's congenital tapetoretinal degeneration; Leber's congenital tapetoretinal dysplasia; RETINAL BLINDNESS, CONGENITAL; AMAUROSIS CONGENITA OF LEBER I. Identifiers: Orphanet 65, MedGen C2931258, MONDO:0008764, OMIM 204000.
Cone-rod dystrophy 6 (CORD6). Also called: Cone dystrophy progressive; RETINAL CONE DYSTROPHY 2. Identifiers: Orphanet 1872, MedGen C1866293, MONDO:0011143, OMIM 601777.

gnomAD v4.1: 1 of 1,612,404 alleles (0.000062%); no homozygotes.

Submissions (2):

Labcorp Genetics (formerly Invitae), Labcorp
Classification: Likely pathogenic for Leber congenital amaurosis 1; Cone-rod dystrophy 6. Last evaluated: 2023-07-21. Review status: criteria provided, single submitter. Criteria: Invitae Variant Classification Sherloc (09022015). Collection method: clinical testing. Allele origin: germline.
Comment: This missense change has been observed in individual(s) with Leber congenital amaurosis (PMID: 17964524, 27375279; Invitae). In at least one individual the data is consistent with being in trans (on the opposite chromosome) from a pathogenic variant. In summary, the currently available evidence indicates that the variant is pathogenic, but additional data are needed to prove that conclusively. Therefore, this variant has been classified as Likely Pathogenic. Advanced modeling of protein sequence and biophysical properties (such as structural, functional, and spatial information, amino acid conservation, physicochemical variation, residue mobility, and thermodynamic stability) performed at Invitae indicates that this missense variant is expected to disrupt GUCY2D protein function. This variant is not present in population databases (gnomAD no frequency). This sequence change replaces serine, which is neutral and polar, with leucine, which is neutral and non-polar, at codon 1007 of the GUCY2D protein (p.Ser1007Leu).

Blueprint Genetics
Classification: Uncertain significance. Last evaluated: 2023-07-10. Review status: criteria provided, single submitter. Criteria: ACMG Guidelines, 2015. Collection method: clinical testing. Allele origin: germline.

Literature cited by the submitters: PubMed 17964524 (cited by Labcorp Genetics (formerly Invitae), Labcorp); PubMed 27375279 (cited by Labcorp Genetics (formerly Invitae), Labcorp).